The following is an entry in ClinVar:

NM_000065.5(C6):c.790A>C (p.Asn264His)

Gene: C6 (complement C6; minus strand). Cytogenetic location: 5p13.1.
Variant type: single nucleotide variant.
Coding change: c.790A>C on transcript NM_000065.5 (MANE Select); coding-DNA position 790, A replaced by C.
Protein change: p.Asn264His; replaces asparagine 264 with histidine.
Molecular consequence: missense variant.
Genome position (GRCh38, 1-based): chr5:41,181,496, T>G on the plus strand (A>C on the coding strand, the complement: C6 is on the minus strand). VCF-style: chr5-41181496-T-G. GRCh37 (hg19) VCF-style: chr5-41181598-T-G.
Other names: c.790A>C, p.Asn264His (NM_001115131.4); short protein forms N264H.
Identifiers: ClinVar variation 1431868 (VCV001431868.8), dbSNP rs2150323343, ClinGen allele CA359602038.

ClinVar aggregate classification (germline): Uncertain significance (1 of 4 stars; one submission).

gnomAD v4.1: 3 of 1,613,804 alleles (0.00019%); highest among the groups gnomAD compares: Non-Finnish European, 0.00025%; no homozygotes.

Submission:

Labcorp Genetics (formerly Invitae), Labcorp
Classification: Uncertain significance. Last evaluated: 2021-04-28. Review status: criteria provided, single submitter. Criteria: Invitae Variant Classification Sherloc (09022015). Collection method: clinical testing. Allele origin: germline.
Comment: This sequence change replaces asparagine with histidine at codon 264 of the C6 protein (p.Asn264His). The asparagine residue is moderately conserved and there is a small physicochemical difference between asparagine and histidine. This variant is not present in population databases (ExAC no frequency). This variant has not been reported in the literature in individuals with C6-related conditions. Algorithms developed to predict the effect of missense changes on protein structure and function (SIFT, PolyPhen-2, Align-GVGD) all suggest that this variant is likely to be tolerated, but these predictions have not been confirmed by published functional studies and their clinical significance is uncertain. In summary, the available evidence is currently insufficient to determine the role of this variant in disease. Therefore, it has been classified as a Variant of Uncertain Significance.